The following is an entry in ClinVar:

NM_007194.4(CHEK2):c.861G>T (p.Lys287Asn)

Gene: CHEK2 (checkpoint kinase 2; minus strand). Cytogenetic location: 22q12.1.
Variant type: single nucleotide variant.
Coding change: c.861G>T on transcript NM_007194.4 (MANE Select); coding-DNA position 861, G replaced by T.
Protein change: p.Lys287Asn; replaces lysine 287 with asparagine.
Molecular consequence: missense variant.
Genome position (GRCh38, 1-based): chr22:28,703,552, C>A on the plus strand (G>T on the coding strand, the complement: CHEK2 is on the minus strand). VCF-style: chr22-28703552-C-A. GRCh37 (hg19) VCF-style: chr22-29099540-C-A.
Other names: c.990G>T, p.Lys330Asn (NM_001005735.3); c.198G>T, p.Lys66Asn (NM_001257387.3); c.660G>T, p.Lys220Asn (NM_001349956.3); c.861G>T, p.Lys287Asn (NM_145862.3); short protein forms K220N, K287N, K330N, K66N.
Identifiers: ClinVar variation 2505551 (VCV002505551.1), dbSNP rs2145878371, ClinGen allele CA411101264.
Genomic context (GRCh38, chr22:28,703,552, plus strand): 5'-GTTTACTACTTACAATTCCAAAACAATATAATAATCTTCTGCATCAAAAAAGTTTTTAAT[C>A]TTGATGATGCAAGGCTAAGAAGAGGGGGAGAAAAAAGGGAAAGTAGTGAGAAACTCCCAA-3'
Protein context (NP_009125.1, residues 277-297): LKKLNHPCII[Lys287Asn]IKNFFDAEDY

ClinVar aggregate classification (germline): Uncertain significance (1 of 4 stars; one submission).

Conditions:
Familial cancer of breast. Also called: hereditary breast carcinoma; Hereditary breast cancer; BREAST CANCER, FAMILIAL. Identifiers: Orphanet 227535, MedGen C0346153, MONDO:0016419, OMIM 114480. Disease mechanism: loss of function.

Submission:

Dr. med. U. Finckh, Human Genetics, Eurofins MVZ
Classification: Uncertain significance for Familial cancer of breast. Review status: criteria provided, single submitter. Criteria: ACMG Guidelines, 2015. Collection method: clinical testing. Allele origin: unknown.
Comment: Not in FLOSSIES, not in gnomad (v2+v3). In silico predictions do not support damaging effect.